The following is an entry in ClinVar:

ClinVar aggregate classification (germline): Uncertain significance (1 of 4 stars; one submission).

gnomAD v4.1: 1 of 1,613,912 alleles (0.000062%); highest among the groups gnomAD compares: Non-Finnish European, 0.000085%; no homozygotes.

Submission:

Labcorp Genetics (formerly Invitae), Labcorp
Classification: Uncertain significance. Last evaluated: 2022-02-18. Review status: criteria provided, single submitter. Criteria: Invitae Variant Classification Sherloc (09022015). Collection method: clinical testing. Allele origin: germline.
Comment: This variant is not present in population databases (gnomAD no frequency). In summary, the available evidence is currently insufficient to determine the role of this variant in disease. Therefore, it has been classified as a Variant of Uncertain Significance. Algorithms developed to predict the effect of missense changes on protein structure and function are either unavailable or do not agree on the potential impact of this missense change (SIFT: "Deleterious"; PolyPhen-2: "Probably Damaging"; Align-GVGD: "Class C0"). This variant has not been reported in the literature in individuals affected with RAI1-related conditions. This sequence change replaces arginine, which is basic and polar, with leucine, which is neutral and non-polar, at codon 1560 of the RAI1 protein (p.Arg1560Leu).

NM_030665.4(RAI1):c.4679G>T (p.Arg1560Leu)

Gene: RAI1 (retinoic acid induced 1; plus strand). Cytogenetic location: 17p11.2.
Variant type: single nucleotide variant.
Coding change: c.4679G>T on transcript NM_030665.4 (MANE Select); coding-DNA position 4679, G replaced by T.
Protein change: p.Arg1560Leu; replaces arginine 1560 with leucine.
Molecular consequence: missense variant.
Genome position (GRCh38, 1-based): chr17:17,797,627, G>T. VCF-style: chr17-17797627-G-T. GRCh37 (hg19) VCF-style: chr17-17700941-G-T.
Other names: short protein forms R1560L.
Identifiers: ClinVar variation 1909947 (VCV001909947.5), dbSNP rs779135088, ClinGen allele CA398557270.